The following is an entry in ClinVar:

NM_001252102.2(KIF21B):c.632del (p.Arg211fs)

Gene: KIF21B (kinesin family member 21B; minus strand). Cytogenetic location: 1q32.1.
Variant type: Deletion.
Coding change: c.632del on transcript NM_001252102.2 (MANE Select); coding-DNA position 632, one base deleted (G; older notation c.632delG).
Protein change: p.Arg211fs; shifts the reading frame from arginine 211.
Molecular consequence: frameshift variant.
Genome position (GRCh38, 1-based): chr1:201,005,408, C deleted on the plus strand (G on the coding strand, the reverse complement: KIF21B is on the minus strand). VCF-style (leftmost placement, unchanged base first): chr1-201005407-GC-G. GRCh37 (hg19) VCF-style: chr1-200974535-GC-G.
Other names: c.632del, p.Arg211fs (NM_001252100.2, NM_001252103.2, NM_017596.4); short protein forms R211fs.
Identifiers: ClinVar variation 3769820 (VCV003769820.1).

ClinVar aggregate classification (germline): Uncertain significance (1 of 4 stars; one submission).

Submission:

GeneDx
Classification: Uncertain significance. Last evaluated: 2024-09-16. Review status: criteria provided, single submitter. Criteria: GeneDx Variant Classification Process June 2021. Collection method: clinical testing. Allele origin: germline. Affected: yes.
Comment: Frameshift variant predicted to result in protein truncation or nonsense mediated decay in a gene or region of a gene for which loss of function is not a well-established mechanism of disease; Not observed in large population cohorts (gnomAD); Has not been previously published as pathogenic or benign to our knowledge